The following is an entry in ClinVar:

NM_030665.4(RAI1):c.1284G>A (p.Ser428=)

Gene: RAI1 (retinoic acid induced 1; plus strand). Cytogenetic location: 17p11.2.
Variant type: single nucleotide variant.
Coding change: c.1284G>A on transcript NM_030665.4 (MANE Select); coding-DNA position 1284, G replaced by A.
Protein change: p.Ser428=; no amino-acid change (serine 428 retained).
Molecular consequence: synonymous variant.
Genome position (GRCh38, 1-based): chr17:17,794,232, G>A. VCF-style: chr17-17794232-G-A. GRCh37 (hg19) VCF-style: chr17-17697546-G-A.
Identifiers: ClinVar variation 589322 (VCV000589322.52), dbSNP rs113249215, ClinGen allele CA8418302.

ClinVar aggregate classification (germline): Likely benign. Review status: criteria provided, multiple submitters, no conflicts (2 of 4 stars). 3 submissions from 3 submitters: Likely benign (2). 1 of the submissions does not count toward it. Last evaluated 2025-11-18.

Conditions:
RAI1-related disorder. Also called: RAI1-related condition.
Inborn genetic diseases. Identifiers: MedGen C0950123, MeSH D030342.

Allele frequency attached by ClinVar (database versions not stated): gnomAD 0.00001 and 0.00003; TOPMed 0.00002; gnomAD exomes 0.00004 and 0.00006; ExAC 0.00006.
gnomAD v4.1: 76 of 1,613,268 alleles (0.0047%); highest among the groups gnomAD compares: South Asian, 0.041%; no homozygotes.

Submissions (3):

Labcorp Genetics (formerly Invitae), Labcorp
Classification: Likely benign. Last evaluated: 2025-11-18. Review status: criteria provided, single submitter. Criteria: Invitae Variant Classification Sherloc (09022015). Collection method: clinical testing. Allele origin: germline.

Ambry Genetics
Classification: Likely benign for Inborn genetic diseases. Last evaluated: 2016-07-05. Review status: criteria provided, single submitter. Criteria: Ambry Variant Classification Scheme 2023. Collection method: clinical testing. Allele origin: germline.

PreventionGenetics, part of Exact Sciences
Classification: Likely benign for RAI1-related condition. Last evaluated: 2024-03-15. Review status: no assertion criteria provided. Collection method: clinical testing. Allele origin: germline. Not counted in ClinVar's aggregate classification.
Comment: This variant is classified as likely benign based on ACMG/AMP sequence variant interpretation guidelines (Richards et al. 2015 PMID: 25741868, with internal and published modifications).